The following is an entry in ClinVar:

ClinVar aggregate classification (germline): Uncertain significance (1 of 4 stars; one submission).

Submission:

GeneDx
Classification: Uncertain significance. Last evaluated: 2026-03-22. Review status: criteria provided, single submitter. Criteria: GeneDx Variant Classification Process June 2021. Collection method: clinical testing. Allele origin: germline.
Comment: Not observed at significant frequency in large population cohorts (gnomAD); In silico analysis suggests that this missense variant does not alter protein structure/function; Has not been previously published as pathogenic or benign to our knowledge

NM_001378414.1(HDAC4):c.1698G>T (p.Glu566Asp)

Gene: HDAC4 (histone deacetylase 4; minus strand). Cytogenetic location: 2q37.3.
Variant type: single nucleotide variant.
Coding change: c.1698G>T on transcript NM_001378414.1 (MANE Select); coding-DNA position 1698, G replaced by T.
Protein change: p.Glu566Asp; replaces glutamic acid 566 with aspartic acid.
Molecular consequence: missense variant.
Genome position (GRCh38, 1-based): chr2:239,115,146, C>A on the plus strand (G>T on the coding strand, the complement: HDAC4 is on the minus strand). VCF-style: chr2-239115146-C-A. GRCh37 (hg19) VCF-style: chr2-240036842-C-A.
Other names: c.1698G>T, p.Glu566Asp (NM_001378415.1); c.1683G>T, p.Glu561Asp (NM_001378416.1, NM_001378417.1, NM_001435996.1 and 1 more transcripts); c.1617G>T, p.Glu539Asp (NM_001435991.1, NM_001435992.1, NM_001435994.1); c.1539G>T, p.Glu513Asp (NM_001435993.1); c.1602G>T, p.Glu534Asp (NM_001435998.1); short protein forms E513D, E534D, E539D, E561D, E566D.
Identifiers: ClinVar variation 5017210 (VCV005017210.1).